The following is an entry in ClinVar:

ClinVar aggregate classification (germline): Likely benign (1 of 4 stars; one submission).

Conditions:
Congenital generalized lipodystrophy type 4. Also called: BERARDINELLI-SEIP CONGENITAL LIPODYSTROPHY, TYPE 4, WITH MUSCULAR DYSTROPHY. Identifiers: Orphanet 228429, MedGen C2750069, MONDO:0013225, OMIM 613327.

Allele frequency attached by ClinVar (database versions not stated): gnomAD 0.00276 and 0.00295; 1000 Genomes Project 30x 0.00297; TOPMed 0.00309; 1000 Genomes Project 0.00319.

Submission:

Illumina Laboratory Services, Illumina
Classification: Likely benign for Congenital generalized lipodystrophy type 4. Last evaluated: 2018-01-13. Review status: criteria provided, single submitter. Criteria: ICSL Variant Classification Criteria 13 December 2019. Collection method: clinical testing. Allele origin: germline.
Comment: This variant was observed in the ICSL laboratory as part of a predisposition screen in an ostensibly healthy population. It had not been previously curated by ICSL or reported in the Human Gene Mutation Database (HGMD: prior to June 1st, 2018), and was therefore a candidate for classification through an automated scoring system. Utilizing variant allele frequency, disease prevalence and penetrance estimates, and inheritance mode, an automated score was calculated to assess if this variant is too frequent to cause the disease. Based on the score and internal cut-off values, a variant classified as likely benign is not then subjected to further curation. The score for this variant resulted in a classification of likely benign for this disease.

NM_012232.6(CAVIN1):c.*2048T>C

Gene: CAVIN1 (caveolae associated protein 1; minus strand). Cytogenetic location: 17q21.2.
Variant type: single nucleotide variant.
Coding change: c.*2048T>C on transcript NM_012232.6 (MANE Select); 2048 bases downstream of the stop codon, T replaced by C.
Molecular consequence: 3 prime UTR variant.
Genome position (GRCh38, 1-based): chr17:42,402,639, A>G on the plus strand (T>C on the coding strand, the complement: CAVIN1 is on the minus strand). VCF-style: chr17-42402639-A-G. GRCh37 (hg19) VCF-style: chr17-40554657-A-G.
Identifiers: ClinVar variation 323254 (VCV000323254.5), dbSNP rs115889684, ClinGen allele CA10649264.